The following is an entry in ClinVar:

ClinVar aggregate classification (germline): Conflicting classifications of pathogenicity. Review status: criteria provided, conflicting classifications (1 of 4 stars). 3 submissions from 3 submitters: Likely pathogenic (1); Uncertain significance (2). Last evaluated 2025-07-31.

Conditions:
RYR1-related disorder. Also called: RYR1-related condition; RYR1-related disorders. Identifiers: MedGen CN239331.
Malignant hyperthermia, susceptibility to, 1 (MHS1). Also called: RYR1-Related Malignant Hyperthermia Susceptibility; Malignant hyperthermia suceptibility 1; Anesthesia related hyperthermia; Malignant hyperpyrexia; Fulminating hyperpyrexia; Pharmacogenic myopathy. Identifiers: Orphanet 423, MedGen C2930980, MONDO:0007783, OMIM 145600.

Allele frequency attached by ClinVar (database versions not stated): ExAC 0.00001; gnomAD 0.00001; gnomAD exomes 0.00001 and 0.00002; TOPMed 0.00002.
gnomAD v4.1: 36 of 1,614,092 alleles (0.0022%); highest among the groups gnomAD compares: Non-Finnish European, 0.0026%; no homozygotes.

Submissions (3):

Labcorp Genetics (formerly Invitae), Labcorp
Classification: Likely pathogenic for RYR1-related disorder. Last evaluated: 2025-07-31. Review status: criteria provided, single submitter. Criteria: Invitae Variant Classification Sherloc (09022015). Collection method: clinical testing. Allele origin: germline.
Comment: This sequence change replaces glycine, which is neutral and non-polar, with serine, which is neutral and polar, at codon 1085 of the RYR1 protein (p.Gly1085Ser). This variant is present in population databases (rs752849270, gnomAD 0.006%). This missense change has been observed in individual(s) with congenital fiber-type disproportion myopathy (internal data). In at least one individual the data is consistent with being in trans (on the opposite chromosome) from a pathogenic variant. ClinVar contains an entry for this variant (Variation ID: 640792). Invitae Evidence Modeling of protein sequence and biophysical properties (such as structural, functional, and spatial information, amino acid conservation, physicochemical variation, residue mobility, and thermodynamic stability) indicates that this missense variant is expected to disrupt RYR1 protein function with a positive predictive value of 95%. In summary, the currently available evidence indicates that the variant is pathogenic, but additional data are needed to prove that conclusively. Therefore, this variant has been classified as Likely Pathogenic.

Women's Health and Genetics/Laboratory Corporation of America, LabCorp
Classification: Uncertain significance. Last evaluated: 2025-06-11. Review status: criteria provided, single submitter. Criteria: LabCorp Variant Classification Summary - May 2015. Collection method: clinical testing. Allele origin: germline.
Comment: Variant summary: RYR1 c.3253G>A (p.Gly1085Ser) results in a non-conservative amino acid change located in the B30.2/SPRY domain (IPR001870) of the encoded protein sequence. Algorithms developed to predict the effect of missense changes on protein structure and function all suggest that this variant is likely to be disruptive. The variant allele was found at a frequency of 1.2e-05 in 251466 control chromosomes. The available data on variant occurrences in the general population are insufficient to allow any conclusion about variant significance. c.3253G>A has been observed in individual(s) affected with congenital fiber-type disproportion myopathy (internal data). These data do not allow any conclusion about variant significance. To our knowledge, no experimental evidence demonstrating an impact on protein function has been reported. ClinVar contains an entry for this variant (Variation ID: 640792). Based on the evidence outlined above, the variant was classified as uncertain significance.

All of Us Research Program, National Institutes of Health
Classification: Uncertain significance for Malignant hyperthermia, susceptibility to, 1. Last evaluated: 2023-11-30. Review status: criteria provided, single submitter. Criteria: ACMG Guidelines, 2015. Collection method: clinical testing. Allele origin: germline. Inheritance: Autosomal dominant inheritance. Observed: 5 variant alleles, 5 heterozygotes.
Comment: This missense variant replaces glycine with serine at codon 1085 of the RYR1 protein. Computational prediction suggests that this variant may have deleterious impact on protein structure and function (internally defined REVEL score threshold >= 0.7, PMID: 27666373). To our knowledge, functional studies have not been reported for this variant.This variant has not been reported in individuals affected with autosomal dominant malignant hyperthermia susceptibility in the literature, although it is associated with other phenotypes (ClinVar Variation ID: 640792). This variant has been identified in 4/282862 chromosomes in the general population by the Genome Aggregation Database (gnomAD). Due to insufficient evidence, this variant is classified as a Variant of Uncertain Significance for autosomal dominant malignant hyperthermia.

This study involves interpretation of variants in research participants for the purpose of population health screening. Participant phenotype was not available at the time of variant classification. Additional details can be found in publication PMID: 35346344, PMCID: PMC8962531

NM_000540.3(RYR1):c.3253G>A (p.Gly1085Ser)

Gene: RYR1 (ryanodine receptor 1; plus strand). Cytogenetic location: 19q13.2.
Variant type: single nucleotide variant.
Coding change: c.3253G>A on transcript NM_000540.3 (MANE Select); coding-DNA position 3253, G replaced by A.
Protein change: p.Gly1085Ser; replaces glycine 1085 with serine.
Molecular consequence: missense variant.
Genome position (GRCh38, 1-based): chr19:38,467,684, G>A. VCF-style: chr19-38467684-G-A. GRCh37 (hg19) VCF-style: chr19-38958324-G-A.
Other names: c.3253G>A, p.Gly1085Ser (NM_001042723.2); short protein forms G1085S.
Identifiers: ClinVar variation 640792 (VCV000640792.11), dbSNP rs752849270, ClinGen allele CA064618.
Genomic context (GRCh38, chr19:38,467,684, plus strand): 5'-CAGTCTCGTTGTGACCGGGTGCGCATCTTCCGGGCAGAGAAATCCTATACAGTGCAGAGC[G>A]GCCGCTGGTACTTCGAGTTTGAAGCAGTCACCACAGGCGAGATGCGCGTGGGCTGGGCGA-3'
Protein context (NP_000531.2, residues 1075-1095): RAEKSYTVQS[Gly1085Ser]RWYFEFEAVT